The following is an entry in ClinVar:

NM_000548.5(TSC2):c.644_645del (p.Ile215fs)

Gene: TSC2 (TSC complex subunit 2; plus strand). Cytogenetic location: 16p13.3.
Variant type: Deletion.
Coding change: c.644_645del on transcript NM_000548.5 (MANE Select); coding-DNA positions 644 to 645, 2 bases deleted (TA; older notation c.644_645delTA).
Protein change: p.Ile215fs; shifts the reading frame from isoleucine 215.
Molecular consequence: frameshift variant. On other transcripts: 5 prime UTR variant (10), non-coding transcript variant (5).
Genome position (GRCh38, 1-based): chr16:2,056,240-2,056,241, TA deleted; deleting any 2 consecutive bases within chr16:2,056,239-2,056,241 gives the same sequence; the c. name uses the placement nearest the transcript's 3' end. VCF-style (leftmost placement, unchanged base first): chr16-2056238-CAT-C. GRCh37 (hg19) VCF-style: chr16-2106239-CAT-C.
Other names: c.644_645del, p.Ile215fs (NM_001077183.3, NM_001114382.3, NM_001363528.2 and 8 more transcripts); c.533_534del, p.Ile178fs (NM_001318827.2, NM_001406670.1, NM_001406678.1); c.497_498del, p.Ile166fs (NM_001318829.2, NM_001406675.1, NM_001406676.1 and 1 more transcripts); c.44_45del, p.Ile15fs (NM_001318831.2, NM_001406680.1, NM_001406682.1 and 6 more transcripts); c.677_678del, p.Ile226fs (NM_001318832.2); c.734_735del, p.Ile245fs (NM_001406667.1, NM_001406668.1); c.587_588del, p.Ile196fs (NM_001406677.1); c.182_183del, p.Ile61fs (NM_001406681.1); and 4 more; short protein forms I15fs, I196fs, I226fs, I178fs, I166fs, I215fs, I245fs, I61fs.
Identifiers: ClinVar variation 2736279 (VCV002736279.3), dbSNP rs2548450771, ClinGen allele CA2695221316.

ClinVar aggregate classification (germline): Pathogenic (1 of 4 stars; one submission).

Conditions:
Tuberous sclerosis 2 (TSC2). Identifiers: Orphanet 805, MedGen C1860707, MONDO:0013199, OMIM 613254.

Submission:

Labcorp Genetics (formerly Invitae), Labcorp
Classification: Pathogenic for Tuberous sclerosis 2. Last evaluated: 2023-05-20. Review status: criteria provided, single submitter. Criteria: Invitae Variant Classification Sherloc (09022015). Collection method: clinical testing. Allele origin: germline.
Comment: This sequence change creates a premature translational stop signal (p.Ile215Argfs*19) in the TSC2 gene. It is expected to result in an absent or disrupted protein product. Loss-of-function variants in TSC2 are known to be pathogenic (PMID: 10205261, 17304050). This variant is not present in population databases (gnomAD no frequency). This premature translational stop signal has been observed in individual(s) with clinical features of tuberous sclerosis complex (PMID: 25943403). For these reasons, this variant has been classified as Pathogenic.

Literature cited by the submitters: PubMed 10205261; PubMed 17304050; PubMed 25943403.